The following is an entry in ClinVar:

ClinVar aggregate classification (germline): Uncertain significance (1 of 4 stars; one submission).

Conditions:
Charcot-Marie-Tooth disease type 2. Also called: Charcot-Marie-Tooth type 2. Identifiers: Orphanet 64746, MedGen C0270914, MONDO:0018993.

Submission:

Labcorp Genetics (formerly Invitae), Labcorp
Classification: Uncertain significance for Charcot-Marie-Tooth disease type 2. Last evaluated: 2025-03-26. Review status: criteria provided, single submitter. Criteria: Invitae Variant Classification Sherloc (09022015). Collection method: clinical testing. Allele origin: germline.
Comment: This sequence change replaces asparagine, which is neutral and polar, with tyrosine, which is neutral and polar, at codon 83 of the AARS protein (p.Asn83Tyr). This variant is not present in population databases (gnomAD no frequency). This variant has not been reported in the literature in individuals affected with AARS-related conditions. Invitae Evidence Modeling of protein sequence and biophysical properties (such as structural, functional, and spatial information, amino acid conservation, physicochemical variation, residue mobility, and thermodynamic stability) indicates that this missense variant is expected to disrupt AARS protein function with a positive predictive value of 95%. In summary, the available evidence is currently insufficient to determine the role of this variant in disease. Therefore, it has been classified as a Variant of Uncertain Significance.

NM_001605.3(AARS1):c.247A>T (p.Asn83Tyr)

Gene: AARS1 (alanyl-tRNA synthetase 1; minus strand). Cytogenetic location: 16q22.1.
Variant type: single nucleotide variant.
Coding change: c.247A>T on transcript NM_001605.3 (MANE Select); coding-DNA position 247, A replaced by T.
Protein change: p.Asn83Tyr; replaces asparagine 83 with tyrosine.
Molecular consequence: missense variant.
Genome position (GRCh38, 1-based): chr16:70,277,052, T>A on the plus strand (A>T on the coding strand, the complement: AARS1 is on the minus strand). VCF-style: chr16-70277052-T-A. GRCh37 (hg19) VCF-style: chr16-70310955-T-A.
Other names: short protein forms N83Y.
Identifiers: ClinVar variation 4746007 (VCV004746007.1).
Genomic context (GRCh38, chr16:70,277,052, plus strand): 5'-AGCCCAGCATCTCGAAGAAGGTGTGATGATAGACATCCTTGCCCACATCGTCCAGGTCAT[T>A]ATGTTTGCCCCCAGCCCGGATGCACTTCTGGGTATTGGCAGCTCTGCTCAGCTTTGCCAT-3'
Protein context (NP_001596.2, residues 73-93): QKCIRAGGKH[Asn83Tyr]DLDDVGKDVY